The following is an entry in ClinVar:

NM_005502.4(ABCA1):c.5301T>C (p.Tyr1767=)

Gene: ABCA1 (ATP binding cassette subfamily A member 1; minus strand). Cytogenetic location: 9q31.1.
Variant type: single nucleotide variant.
Coding change: c.5301T>C on transcript NM_005502.4 (MANE Select); coding-DNA position 5301, T replaced by C.
Protein change: p.Tyr1767=; no amino-acid change (tyrosine 1767 retained).
Molecular consequence: synonymous variant.
Genome position (GRCh38, 1-based): chr9:104,796,134, A>G on the plus strand (T>C on the coding strand, the complement: ABCA1 is on the minus strand). VCF-style: chr9-104796134-A-G. GRCh37 (hg19) VCF-style: chr9-107558415-A-G.
Other names: p.Tyr1767=.
Identifiers: ClinVar variation 364393 (VCV000364393.21), dbSNP rs145246003, ClinGen allele CA5167887.
Genomic context (GRCh38, chr9:104,796,134, plus strand): 5'-CACAAAGGTGGCCACGCTGCCATTAATGCCAATGAAGAGGTTCACGCTGGTGAGCACCAC[A>G]TAGGCTGTGCTGGGGATCTTGAACACAAAGGAGGCTGGGTACATGAGAGGTGTGATTGAC-3'
Protein context (NP_005493.2, residues 1757-1777): SFVFKIPSTA[Tyr1767=]VVLTSVNLFI

ClinVar aggregate classification (germline): Benign/Likely benign. Review status: criteria provided, multiple submitters, no conflicts (2 of 4 stars). 10 submissions from 9 submitters: Benign (3); Likely benign (5). 2 of the submissions do not count toward it. Last evaluated 2025-12-24.

Conditions:
Tangier disease (TGD). Also called: HIGH DENSITY LIPOPROTEIN DEFICIENCY, TANGIER TYPE; HIGH DENSITY LIPOPROTEIN DEFICIENCY, TYPE 1; Cholesterol thesaurismosis. Identifiers: Orphanet 31150, MedGen C0039292, MONDO:0008783, OMIM 205400.
Cardiovascular phenotype. Identifiers: MedGen CN230736.
Hypoalphalipoproteinemia, primary, 1. Identifiers: Orphanet 425, MedGen C5231558, MONDO:0011393, OMIM 604091.

Allele frequency attached by ClinVar (database versions not stated): gnomAD exomes 0.00034 and 0.00045; ExAC 0.00049; ESP Exome Variant Server 0.00108; gnomAD 0.00131 and 0.00141; TOPMed 0.00153; 1000 Genomes Project 30x 0.00172; 1000 Genomes Project 0.00180.
gnomAD v4.1: 734 of 1,614,024 alleles (0.045%); highest among the groups gnomAD compares: African/African-American, 0.44%; no homozygotes.

Submissions (10):

Labcorp Genetics (formerly Invitae), Labcorp
Classification: Benign. Last evaluated: 2025-12-24. Review status: criteria provided, single submitter. Criteria: Invitae Variant Classification Sherloc (09022015). Collection method: clinical testing. Allele origin: germline.

Mayo Clinic Laboratories, Mayo Clinic
Classification: Likely benign. Last evaluated: 2025-12-05. Review status: criteria provided, single submitter. Criteria: ACMG Guidelines, 2015. Collection method: clinical testing. Allele origin: germline. Observed: 3 variant alleles.
Comment: BS1, BP4, BP7

Blueprint Genetics
Classification: Likely benign. Last evaluated: 2024-10-24. Review status: criteria provided, single submitter. Criteria: ACMG Guidelines, 2015. Collection method: clinical testing. Allele origin: germline.

Ambry Genetics
Classification: Likely benign for Cardiovascular phenotype. Last evaluated: 2022-02-14. Review status: criteria provided, single submitter. Criteria: Ambry Variant Classification Scheme 2023. Collection method: clinical testing. Allele origin: germline.

Women's Health and Genetics/Laboratory Corporation of America, LabCorp
Classification: Benign. Last evaluated: 2021-09-07. Review status: criteria provided, single submitter. Criteria: LabCorp Variant Classification Summary - May 2015. Collection method: clinical testing. Allele origin: germline.

Illumina Laboratory Services, Illumina
Classification: Likely benign for Tangier disease. Last evaluated: 2018-01-13. Review status: criteria provided, single submitter. Criteria: ICSL Variant Classification Criteria 13 December 2019. Collection method: clinical testing. Allele origin: germline.
Comment: This variant was observed in the ICSL laboratory as part of a predisposition screen in an ostensibly healthy population. It had not been previously curated by ICSL or reported in the Human Gene Mutation Database (HGMD: prior to June 1st, 2018), and was therefore a candidate for classification through an automated scoring system. Utilizing variant allele frequency, disease prevalence and penetrance estimates, and inheritance mode, an automated score was calculated to assess if this variant is too frequent to cause the disease. Based on the score and internal cut-off values, a variant classified as likely benign is not then subjected to further curation. The score for this variant resulted in a classification of likely benign for this disease.

Illumina Laboratory Services, Illumina
Classification: Benign for Hypoalphalipoproteinemia, primary, 1. Last evaluated: 2018-01-13. Review status: criteria provided, single submitter. Criteria: ICSL Variant Classification Criteria 13 December 2019. Collection method: clinical testing. Allele origin: germline.
Comment: This variant was observed in the ICSL laboratory as part of a predisposition screen in an ostensibly healthy population. It had not been previously curated by ICSL or reported in the Human Gene Mutation Database (HGMD: prior to June 1st, 2018), and was therefore a candidate for classification through an automated scoring system. Utilizing variant allele frequency, disease prevalence and penetrance estimates, and inheritance mode, an automated score was calculated to assess if this variant is too frequent to cause the disease. Based on the score and internal cut-off values, a variant classified as benign is not then subjected to further curation. The score for this variant resulted in a classification of benign for this disease.

Breakthrough Genomics
Classification: Likely benign. Review status: criteria provided, single submitter. Criteria: ACMG Guidelines, 2015. Collection method: not provided. Allele origin: germline. Inheritance: Autosomal recessive inheritance. Affected: yes.

Clinical Genetics DNA and cytogenetics Diagnostics Lab, Erasmus MC, Erasmus Medical Center
Classification: Likely benign. Review status: no assertion criteria provided. Collection method: clinical testing. Allele origin: germline. Affected: yes. Study: VKGL Data-share Consensus. Not counted in ClinVar's aggregate classification.

Clinical Genetics, Academic Medical Center
Classification: Benign. Review status: no assertion criteria provided. Collection method: clinical testing. Allele origin: germline. Affected: yes. Study: VKGL Data-share Consensus. Not counted in ClinVar's aggregate classification.